The following is an entry in ClinVar:

NM_000051.4(ATM):c.7789G>T (p.Asp2597Tyr)

Genes: ATM (ATM serine/threonine kinase; plus strand), C11orf65 (chromosome 11 open reading frame 65; minus strand). Cytogenetic location: 11q22.3.
Variant type: single nucleotide variant.
Coding change: c.7789G>T on transcript NM_000051.4 (MANE Select); coding-DNA position 7789, G replaced by T.
Protein change: p.Asp2597Tyr; replaces aspartic acid 2597 with tyrosine.
Molecular consequence: missense variant. On other transcripts: intron variant (2).
Genome position (GRCh38, 1-based): chr11:108,332,762, G>T. VCF-style: chr11-108332762-G-T. GRCh37 (hg19) VCF-style: chr11-108203489-G-T.
Other names: c.7789G>T, p.Asp2597Tyr (NM_001351834.2); c.641-23691C>A (NM_001330368.2); c.*38+2458C>A (NM_001351110.2); short protein forms D2597Y.
Identifiers: ClinVar variation 557639 (VCV000557639.7), dbSNP rs1555125212, ClinGen allele CA382561238.

ClinVar aggregate classification (germline): Likely pathogenic. Review status: criteria provided, multiple submitters, no conflicts (2 of 4 stars). 3 submissions from 3 submitters: Likely pathogenic (2). 1 of the submissions does not count toward it. Last evaluated 2024-12-16.

Conditions:
Hereditary cancer-predisposing syndrome. Also called: Hereditary Cancer Syndrome; Neoplastic Syndromes, Hereditary; Tumor predisposition; Hereditary neoplastic syndrome. Identifiers: Orphanet 140162, MedGen C0027672, MeSH D009386, MONDO:0015356.
Ataxia-telangiectasia syndrome (AT). Also called: Cerebello-oculocutaneous telangiectasia; Immunodeficiency with ataxia telangiectasia; Ataxia-telangiectasia, complementation group E; Ataxia-telangiectasia, complementation group D; AT, COMPLEMENTATION GROUP C; ATAXIA-TELANGIECTASIA, COMPLEMENTATION GROUP A. Identifiers: Orphanet 100, MedGen C0004135, MONDO:0008840, OMIM 208900.

Submissions (3):

Women's Health and Genetics/Laboratory Corporation of America, LabCorp
Classification: Likely pathogenic for Ataxia-telangiectasia syndrome. Last evaluated: 2024-12-16. Review status: criteria provided, single submitter. Criteria: LabCorp Variant Classification Summary - May 2015. Collection method: clinical testing. Allele origin: germline.
Comment: Variant summary: ATM c.7789G>T (p.Asp2597Tyr) results in a non-conservative amino acid change in the encoded protein sequence. Five of five in-silico tools predict a damaging effect of the variant on protein function. Several computational tools predict a significant impact on normal splicing: Three predict the variant weakens the canonical 3' acceptor site. One predict the variant no significant impact on splicing. At least one publication reports experimental evidence that this variant affects mRNA splicing by skipping exon 53 in patients' lymphocytes (Paglia_2010). The variant was absent in 249878 control chromosomes. c.7789G>T has been reported in the literature in at-least one individual affected with BRCA negative Breast Cancer (Paglia_2010). The following publication has been ascertained in the context of this evaluation (PMID: 19404735). ClinVar contains an entry for this variant (Variation ID: 557639). Based on the evidence outlined above, the variant was classified as likely pathogenic.

Ambry Genetics
Classification: Likely pathogenic for Hereditary cancer-predisposing syndrome. Last evaluated: 2022-02-10. Review status: criteria provided, single submitter. Criteria: Ambry Variant Classification Scheme 2023. Collection method: clinical testing. Allele origin: germline.
Comment: The c.7789G>T variant (also known as p.D2597Y) is located in coding exon 52 of the ATM gene. This nucleotide position is highly conserved in available vertebrate species. In silico splice site analysis predicts that this alteration may weaken the native splice acceptor site. A published RNA study reported that this variant causes skipping of coding exon 52 (Paglia LL et al. Breast Cancer Res Treat, 2010 Jan;119:443-52). Internal RNA studies have also demonstrated that this alteration results in abnormal splicing in the set of samples tested (Ambry internal data). Based on the majority of available evidence to date, this variant is likely to be pathogenic.

Counsyl
Classification: Uncertain significance for Ataxia-telangiectasia syndrome. Last evaluated: 2018-04-03. Review status: no assertion criteria provided. Collection method: clinical testing. Allele origin: unknown. Not counted in ClinVar's aggregate classification.

Literature cited by the submitters: PubMed 19404735 (cited by Women's Health and Genetics/Laboratory Corporation of America, LabCorp and Ambry Genetics).